The following is an entry in ClinVar:

NM_000038.6(APC):c.2704G>C (p.Glu902Gln)

Gene: APC (APC regulator of Wnt signaling pathway; plus strand). Cytogenetic location: 5q22.2.
Variant type: single nucleotide variant.
Coding change: c.2704G>C on transcript NM_000038.6 (MANE Select); coding-DNA position 2704, G replaced by C.
Protein change: p.Glu902Gln; replaces glutamic acid 902 with glutamine.
Molecular consequence: missense variant. On other transcripts: non-coding transcript variant (2).
Genome position (GRCh38, 1-based): chr5:112,838,298, G>C. VCF-style: chr5-112838298-G-C. GRCh37 (hg19) VCF-style: chr5-112173995-G-C.
Other names: c.2704G>C, p.Glu902Gln (NM_001127510.3, NM_001354895.2, NM_001407450.1); c.2650G>C, p.Glu884Gln (NM_001127511.3); c.2758G>C, p.Glu920Gln (NM_001354896.2, NM_001407447.1, NM_001407448.1 and 1 more transcripts); c.2734G>C, p.Glu912Gln (NM_001354897.2); c.2629G>C, p.Glu877Gln (NM_001354898.2); c.2620G>C, p.Glu874Gln (NM_001354899.2); c.2581G>C, p.Glu861Gln (NM_001354900.2); c.2527G>C, p.Glu843Gln (NM_001354901.2, NM_001407453.1); and 12 more; short protein forms E518Q, E776Q, E861Q, E920Q, E930Q, E742Q, E773Q, E801Q.
Identifiers: ClinVar variation 2707986 (VCV002707986.4), dbSNP rs1765248349, ClinGen allele CA16027232.
Genomic context (GRCh38, chr5:112,838,298, plus strand): 5'-ACCACTGCAGCCCAGATTGCCAAAGTCATGGAAGAAGTGTCAGCCATTCATACCTCTCAG[G>C]AAGACAGAAGTTCTGGGTCTACCACTGAATTACATTGTGTGACAGATGAGAGAAATGCAC-3'
Protein context (NP_000029.2, residues 892-912): EEVSAIHTSQ[Glu902Gln]DRSSGSTTEL

ClinVar aggregate classification (germline): Uncertain significance. Review status: criteria provided, multiple submitters, no conflicts (2 of 4 stars). 2 submissions from 2 submitters: Uncertain significance (2). Last evaluated 2025-01-23.

Conditions:
Hereditary cancer-predisposing syndrome. Also called: Neoplastic Syndromes, Hereditary; Tumor predisposition; Hereditary Cancer Syndrome; Hereditary neoplastic syndrome. Identifiers: Orphanet 140162, MedGen C0027672, MeSH D009386, MONDO:0015356.
Familial adenomatous polyposis 1 (FAP1). Also called: FAMILIAL ADENOMATOUS POLYPOSIS 1, ATTENUATED; POLYPOSIS, ADENOMATOUS INTESTINAL. Identifiers: MedGen C2713442, MONDO:0021056, OMIM 175100. Disease mechanism: loss of function.

Submissions (2):

Ambry Genetics
Classification: Uncertain significance for Hereditary cancer-predisposing syndrome. Last evaluated: 2025-01-23. Review status: criteria provided, single submitter. Criteria: Ambry Variant Classification Scheme 2023. Collection method: clinical testing. Allele origin: germline.
Comment: The p.E902Q variant (also known as c.2704G>C), located in coding exon 15 of the APC gene, results from a G to C substitution at nucleotide position 2704. The glutamic acid at codon 902 is replaced by glutamine, an amino acid with highly similar properties. This amino acid position is conserved. In addition, in silico predictors for this gene do not accurately predict pathogenicity. Based on the available evidence, the clinical significance of this variant remains unclear.

Labcorp Genetics (formerly Invitae), Labcorp
Classification: Uncertain significance for Familial adenomatous polyposis 1. Last evaluated: 2024-01-06. Review status: criteria provided, single submitter. Criteria: Invitae Variant Classification Sherloc (09022015). Collection method: clinical testing. Allele origin: germline.
Comment: This sequence change replaces glutamic acid, which is acidic and polar, with glutamine, which is neutral and polar, at codon 902 of the APC protein (p.Glu902Gln). This variant is not present in population databases (gnomAD no frequency). This variant has not been reported in the literature in individuals affected with APC-related conditions. Advanced modeling of protein sequence and biophysical properties (such as structural, functional, and spatial information, amino acid conservation, physicochemical variation, residue mobility, and thermodynamic stability) performed at Invitae indicates that this missense variant is not expected to disrupt APC protein function with a negative predictive value of 95%. In summary, the available evidence is currently insufficient to determine the role of this variant in disease. Therefore, it has been classified as a Variant of Uncertain Significance.